The following is an entry in ClinVar:

ClinVar aggregate classification (germline): Uncertain significance (1 of 4 stars; one submission).

gnomAD v4.1: 3 of 1,614,066 alleles (0.00019%); highest among the groups gnomAD compares: Non-Finnish European, 0.00025%; no homozygotes.

Submission:

Labcorp Genetics (formerly Invitae), Labcorp
Classification: Uncertain significance. Last evaluated: 2025-11-06. Review status: criteria provided, single submitter. Criteria: Invitae Variant Classification Sherloc (09022015). Collection method: clinical testing. Allele origin: germline.
Comment: This sequence change replaces threonine, which is neutral and polar, with isoleucine, which is neutral and non-polar, at codon 1962 of the FN1 protein (p.Thr1962Ile). This variant is not present in population databases (gnomAD no frequency). This variant has not been reported in the literature in individuals affected with FN1-related conditions. An algorithm developed to predict the effect of missense changes on protein structure and function (PolyPhen-2) suggests that this variant is likely to be disruptive. In summary, the available evidence is currently insufficient to determine the role of this variant in disease. Therefore, it has been classified as a Variant of Uncertain Significance.

NM_212482.4(FN1):c.5885C>T (p.Thr1962Ile)

Genes: FN1 (fibronectin 1; minus strand), LOC126806496 (CDK7 strongly-dependent group 2 enhancer GRCh37_chr2:216240057-216241256; plus strand). Cytogenetic location: 2q35.
Variant type: single nucleotide variant.
Coding change: c.5885C>T on transcript NM_212482.4 (MANE Select); coding-DNA position 5885, C replaced by T.
Protein change: p.Thr1962Ile; replaces threonine 1962 with isoleucine.
Molecular consequence: missense variant.
Genome position (GRCh38, 1-based): chr2:215,376,500, G>A on the plus strand (C>T on the coding strand, the complement: FN1 is on the minus strand). VCF-style: chr2-215376500-G-A. GRCh37 (hg19) VCF-style: chr2-216241223-G-A.
Other names: c.5342C>T, p.Thr1781Ile (NM_001365523.2, NM_212474.3, NM_212476.3 and 2 more transcripts); c.5612C>T, p.Thr1871Ile (NM_001365524.2, NM_002026.4, NM_212478.3 and 2 more transcripts); c.5885C>T, p.Thr1962Ile (NM_001306129.2); c.5615C>T, p.Thr1872Ile (NM_001306130.2, NM_001365517.2, NM_001365519.2 and 2 more transcripts); short protein forms T1781I, T1872I, T1962I, T1871I.
Identifiers: ClinVar variation 4770576 (VCV004770576.1).